The following is an entry in ClinVar:

ClinVar aggregate classification (germline): Uncertain significance (1 of 4 stars; one submission).

gnomAD v4.1: 12 of 1,609,068 alleles (0.00075%); highest among the groups gnomAD compares: Middle Eastern, 0.033%; no homozygotes.

Submission:

Ambry Genetics
Classification: Uncertain significance. Last evaluated: 2023-10-13. Review status: criteria provided, single submitter. Criteria: Ambry Variant Classification Scheme 2023. Collection method: clinical testing. Allele origin: germline.
Comment: The p.K1780E variant (also known as c.5338A>G), located in coding exon 4 of the ALPK2 gene, results from an A to G substitution at nucleotide position 5338. The lysine at codon 1780 is replaced by glutamic acid, an amino acid with similar properties. This amino acid position is conserved. In addition, this alteration is predicted to be tolerated by in silico analysis. Since supporting evidence is limited at this time, the clinical significance of this alteration remains unclear.

NM_052947.4(ALPK2):c.5338A>G (p.Lys1780Glu)

Genes: ALPK2 (alpha kinase 2; minus strand), LOC130062577 (ATAC-STARR-seq lymphoblastoid active region 13389; plus strand). Cytogenetic location: 18q21.31.
Variant type: single nucleotide variant.
Coding change: c.5338A>G on transcript NM_052947.4 (MANE Select); coding-DNA position 5338, A replaced by G.
Protein change: p.Lys1780Glu; replaces lysine 1780 with glutamic acid.
Molecular consequence: missense variant.
Genome position (GRCh38, 1-based): chr18:58,534,849, T>C on the plus strand (A>G on the coding strand, the complement: ALPK2 is on the minus strand). VCF-style: chr18-58534849-T-C. GRCh37 (hg19) VCF-style: chr18-56202081-T-C.
Other names: short protein forms K1780E.
Identifiers: ClinVar variation 1746908 (VCV001746908.2), dbSNP rs1012296926, ClinGen allele CA300925937.
Genomic context (GRCh38, chr18:58,534,849, plus strand): 5'-TACAAGCCCAAACTTTAACAATGATGGACAGCAACAGAACCTCACCTCTTCCTTCTCTTT[T>C]GCAAGATGGCTTTTTTGGGTCTTGTTTCTCTTCTGTGTGTGATAATGATGTTTCGAGTTT-3'
Protein context (NP_443179.3, residues 1770-1790): EKQDPKKPSC[Lys1780Glu]REGRAPVLLK